The following is an entry in ClinVar:

NM_000258.3(MYL3):c.286C>T (p.Leu96=)

Gene: MYL3 (myosin light chain 3; minus strand). Cytogenetic location: 3p21.31.
Variant type: single nucleotide variant.
Coding change: c.286C>T on transcript NM_000258.3 (MANE Select); coding-DNA position 286, C replaced by T.
Protein change: p.Leu96=; no amino-acid change (leucine 96 retained).
Molecular consequence: synonymous variant.
Genome position (GRCh38, 1-based): chr3:46,860,697, G>A on the plus strand (C>T on the coding strand, the complement: MYL3 is on the minus strand). VCF-style: chr3-46860697-G-A. GRCh37 (hg19) VCF-style: chr3-46902187-G-A.
Identifiers: ClinVar variation 264378 (VCV000264378.21), dbSNP rs772804040, ClinGen allele CA043313.

ClinVar aggregate classification (germline): Benign/Likely benign. Review status: criteria provided, multiple submitters, no conflicts (2 of 4 stars). 6 submissions from 6 submitters: Benign (3); Likely benign (3). Last evaluated 2026-06-01.

Conditions:
MYL3-related disorder. Also called: MYL3-related condition.
Cardiovascular phenotype. Identifiers: MedGen CN230736.
Cardiomyopathy (CMYO). Also called: Cardiomyopathies. Identifiers: Orphanet 167848, MedGen C0878544, MONDO:0004994, HP:0001638. Inheritance: Various modes of inheritance.
Hypertrophic cardiomyopathy. Also called: HYPERTROPHIC MYOCARDIOPATHY. Identifiers: Orphanet 217569, MedGen C0007194, MeSH D002312, MONDO:0005045, HP:0001639.

Allele frequency attached by ClinVar (database versions not stated): gnomAD 0.00002; TOPMed 0.00012; gnomAD exomes 0.00013 and 0.00029; ExAC 0.00017.

Submissions (6):

CeGaT Center for Human Genetics Tuebingen
Classification: Likely benign. Last evaluated: 2026-06-01. Review status: criteria provided, single submitter. Criteria: CeGaT Center For Human Genetics Tuebingen Variant Classification Criteria Version 2. Collection method: clinical testing. Allele origin: germline. Affected: yes. Observed: 2 variant alleles.
Comment: MYL3: BP4, BP7

Labcorp Genetics (formerly Invitae), Labcorp
Classification: Benign for Hypertrophic cardiomyopathy. Last evaluated: 2026-02-02. Review status: criteria provided, single submitter. Criteria: Invitae Variant Classification Sherloc (09022015). Collection method: clinical testing. Allele origin: germline.

PreventionGenetics, part of Exact Sciences
Classification: Likely benign for MYL3-related condition. Last evaluated: 2026-01-21. Review status: criteria provided, single submitter. Criteria: ACMG Guidelines, 2015. Collection method: clinical testing. Allele origin: germline.
Comment: This variant is classified as likely benign based on ACMG/AMP sequence variant interpretation guidelines (Richards et al. 2015 PMID: 25741868, with internal and published modifications).

All of Us Research Program, National Institutes of Health
Classification: Benign for Hypertrophic cardiomyopathy. Last evaluated: 2024-02-05. Review status: criteria provided, single submitter. Criteria: ACMG Guidelines, 2015. Collection method: clinical testing. Allele origin: germline. Inheritance: Autosomal dominant inheritance. Observed: 30 variant alleles, 30 heterozygotes.
Comment: This study involves interpretation of variants in research participants for the purpose of population health screening. Participant phenotype was not available at the time of variant classification. Additional details can be found in publication PMID: 35346344, PMCID: PMC8962531

Color Diagnostics, LLC DBA Color Health
Classification: Benign for Cardiomyopathy. Last evaluated: 2019-03-30. Review status: criteria provided, single submitter. Criteria: ACMG Guidelines, 2015. Collection method: clinical testing. Allele origin: germline.

Ambry Genetics
Classification: Likely benign for Cardiovascular phenotype. Last evaluated: 2015-09-29. Review status: criteria provided, single submitter. Criteria: Ambry Variant Classification Scheme 2023. Collection method: clinical testing. Allele origin: germline.